The following is an entry in ClinVar:

ClinVar aggregate classification (germline): Benign/Likely benign. Review status: criteria provided, multiple submitters, no conflicts (2 of 4 stars). 4 submissions from 4 submitters: Benign (2); Likely benign (2). Last evaluated 2026-02-01.

Conditions:
Nemaline myopathy 10 (NEM10). Identifiers: MedGen C4015360, MONDO:0014513, OMIM 616165.

Allele frequency attached by ClinVar (database versions not stated): ESP Exome Variant Server 0.00624; 1000 Genomes Project 0.00719; 1000 Genomes Project 30x 0.00812; TOPMed 0.00836.
gnomAD v4.1: 2,091 of 1,558,882 alleles (0.13%); highest among the groups gnomAD compares: African/African-American, 2.4%; 26 homozygotes.

Submissions (4):

Labcorp Genetics (formerly Invitae), Labcorp
Classification: Benign for Nemaline myopathy 10. Last evaluated: 2026-02-01. Review status: criteria provided, single submitter. Criteria: Invitae Variant Classification Sherloc (09022015). Collection method: clinical testing. Allele origin: germline.

Mayo Clinic Laboratories, Mayo Clinic
Classification: Benign. Last evaluated: 2023-06-21. Review status: criteria provided, single submitter. Criteria: ACMG Guidelines, 2015. Collection method: clinical testing. Allele origin: germline. Observed: 4 variant alleles.
Comment: BS1, BS2, BP4, BP7

GeneDx
Classification: Likely benign. Last evaluated: 2021-03-05. Review status: criteria provided, single submitter. Criteria: GeneDx Variant Classification Process June 2021. Collection method: clinical testing. Allele origin: germline. Affected: yes.

Breakthrough Genomics
Classification: Likely benign. Review status: criteria provided, single submitter. Criteria: ACMG Guidelines, 2015. Collection method: not provided. Allele origin: germline. Inheritance: Autosomal recessive inheritance. Affected: yes.

NM_198271.5(LMOD3):c.426A>G (p.Glu142=)

Gene: LMOD3 (leiomodin 3; minus strand). Cytogenetic location: 3p14.1.
Variant type: single nucleotide variant.
Coding change: c.426A>G on transcript NM_198271.5 (MANE Select); coding-DNA position 426, A replaced by G.
Protein change: p.Glu142=; no amino-acid change (glutamic acid 142 retained).
Molecular consequence: synonymous variant.
Genome position (GRCh38, 1-based): chr3:69,119,929, T>C on the plus strand (A>G on the coding strand, the complement: LMOD3 is on the minus strand). VCF-style: chr3-69119929-T-C. GRCh37 (hg19) VCF-style: chr3-69169080-T-C.
Other names: p.Glu142=; c.426A>G, p.Glu142= (NM_001304418.3).
Identifiers: ClinVar variation 475323 (VCV000475323.16), dbSNP rs111848977, ClinGen allele CA2488989.